The following is an entry in ClinVar:

NM_001365088.1(SLC12A6):c.329_330delinsT (p.Lys110fs)

Gene: SLC12A6 (solute carrier family 12 member 6; minus strand). Cytogenetic location: 15q14.
Variant type: Indel.
Coding change: c.329_330delinsT on transcript NM_001365088.1 (MANE Select); coding-DNA positions 329 to 330, AG replaced by T.
Protein change: p.Lys110fs; shifts the reading frame from lysine 110.
Molecular consequence: frameshift variant.
Genome position (GRCh38, 1-based): chr15:34,261,007-34,261,008, CT replaced by A on the plus strand (AG replaced by T on the coding strand, the reverse complement: SLC12A6 is on the minus strand). VCF-style: chr15-34261007-CT-A. GRCh37 (hg19) VCF-style: chr15-34553208-CT-A.
Other names: c.176_177delinsT, p.Lys59fs (NM_005135.2); c.329_330delinsT, p.Lys110fs (NM_133647.2); c.152_153delinsT, p.Lys51fs (NM_001042494.2, NM_001042495.2); c.302_303delinsT, p.Lys101fs (NM_001042496.2); c.284_285delinsT, p.Lys95fs (NM_001042497.2); short protein forms K101fs, K110fs, K51fs, K59fs, K95fs.
Identifiers: ClinVar variation 1724260 (VCV001724260.2), dbSNP rs2509847354, ClinGen allele CA2580089247.

ClinVar aggregate classification (germline): Likely pathogenic (1 of 4 stars; one submission).

Conditions:
Agenesis of the corpus callosum with peripheral neuropathy (ACCPN). Also called: CHARLEVOIX DISEASE; POLYNEUROPATHY, SENSORIMOTOR, WITH OR WITHOUT AGENESIS OF THE CORPUS CALLOSUM; HMSN/ACC; Hereditary Motor and Sensory Neuropathy with Agenesis of the Corpus Callosum. Identifiers: Orphanet 1496, MedGen C0795950, MONDO:0000902, OMIM 218000. Disease mechanism: loss of function.

Submission:

Myriad Genetics, Inc.
Classification: Likely pathogenic for Agenesis of the corpus callosum with peripheral neuropathy. Last evaluated: 2022-02-02. Review status: criteria provided, single submitter. Criteria: Myriad Women's Health Autosomal Recessive and X-Linked Classification Criteria (2021). Collection method: clinical testing. Allele origin: unknown.
Comment: NM_133647.1(SLC12A6):c.329_330delAGinsT(K110Ifs*50) is expected to be pathogenic in the context of Andermann syndrome. This variant is predicted to lead to an abnormal or absent protein product due to the creation of a premature termination codon in SLC12A6, a gene where loss-of-function variants are known to be pathogenic. Please note: this variant was assessed in the context of healthy population screening.